The following is an entry in ClinVar:

ClinVar aggregate classification (germline): Uncertain significance (1 of 4 stars; one submission).

Conditions:
Alstrom syndrome (ALMS). Identifiers: Orphanet 64, MedGen C0268425, MONDO:0008763, OMIM 203800.

gnomAD v4.1: 4 of 1,612,412 alleles (0.00025%); highest among the groups gnomAD compares: South Asian, 0.0022%; no homozygotes.

Submission:

Labcorp Genetics (formerly Invitae), Labcorp
Classification: Uncertain significance for Alstrom syndrome. Last evaluated: 2022-05-09. Review status: criteria provided, single submitter. Criteria: Invitae Variant Classification Sherloc (09022015). Collection method: clinical testing. Allele origin: germline.
Comment: This sequence change replaces arginine, which is basic and polar, with glycine, which is neutral and non-polar, at codon 2146 of the ALMS1 protein (p.Arg2146Gly). This variant is not present in population databases (gnomAD no frequency). This variant has not been reported in the literature in individuals affected with ALMS1-related conditions. Experimental studies and prediction algorithms are not available or were not evaluated, and the functional significance of this variant is currently unknown. In summary, the available evidence is currently insufficient to determine the role of this variant in disease. Therefore, it has been classified as a Variant of Uncertain Significance.

NM_001378454.1(ALMS1):c.6433C>G (p.Arg2145Gly)

Gene: ALMS1 (ALMS1 centrosome and basal body associated protein; plus strand). Cytogenetic location: 2p13.1.
Variant type: single nucleotide variant.
Coding change: c.6433C>G on transcript NM_001378454.1 (MANE Select); coding-DNA position 6433, C replaced by G.
Protein change: p.Arg2145Gly; replaces arginine 2145 with glycine.
Molecular consequence: missense variant.
Genome position (GRCh38, 1-based): chr2:73,452,960, C>G. VCF-style: chr2-73452960-C-G. GRCh37 (hg19) VCF-style: chr2-73680087-C-G.
Other names: c.6436C>G, p.Arg2146Gly (NM_015120.4); short protein forms R2146G, R2145G.
Identifiers: ClinVar variation 2199255 (VCV002199255.1), dbSNP rs770558150, ClinGen allele CA347287633.